The following is an entry in ClinVar:

ClinVar aggregate classification (germline): Conflicting classifications of pathogenicity. Review status: criteria provided, conflicting classifications (1 of 4 stars). 9 submissions from 9 submitters: Likely pathogenic (1); Uncertain significance (5). 3 of the submissions do not count toward it. Last evaluated 2026-04-02.

Conditions:
Bardet-Biedl syndrome 12 (BBS12). Identifiers: Orphanet 110, MedGen C1859570, MONDO:0014440, OMIM 615989.
Inborn genetic diseases. Identifiers: MedGen C0950123, MeSH D030342.
Bardet-Biedl syndrome (BBS). Identifiers: Orphanet 110, MedGen C0752166, MONDO:0015229.
BBS12-related disorder. Also called: BBS12-related condition.

Allele frequency attached by ClinVar (database versions not stated): gnomAD 0.00004 and 0.00003; TOPMed 0.00006.

Submissions (9):

PreventionGenetics, part of Exact Sciences
Classification: Uncertain significance for BBS12-related condition. Last evaluated: 2026-04-02. Review status: criteria provided, single submitter. Criteria: ACMG Guidelines, 2015. Collection method: clinical testing. Allele origin: germline.
Comment: The BBS12 c.1A>C variant is predicted to disrupt the translation initiation site (Start loss). However, an in-frame methionine (potential alternative start codon) is present at the third codon. This variant was documented in a family with a recessive form of retinitis pigmentosa (Table S5 - Watson et al. 2014. PubMed ID: 25133751). This variant is reported in 0.049% of alleles in individuals of South Asian descent in gnomAD. Although we suspect that this variant may be pathogenic, at this time, the clinical significance of this variant is uncertain due to the absence of conclusive functional and genetic evidence.

Labcorp Genetics (formerly Invitae), Labcorp
Classification: Uncertain significance for Bardet-Biedl syndrome. Last evaluated: 2024-11-11. Review status: criteria provided, single submitter. Criteria: Invitae Variant Classification Sherloc (09022015). Collection method: clinical testing. Allele origin: germline.
Comment: This sequence change affects the initiator methionine of the BBS12 mRNA. The next in-frame methionine is located at codon 3. This variant is present in population databases (rs750366365, gnomAD 0.05%). This variant has not been reported in the literature in individuals affected with BBS12-related conditions. ClinVar contains an entry for this variant (Variation ID: 551815). Experimental studies and prediction algorithms are not available or were not evaluated, and the functional significance of this variant is currently unknown. In summary, the available evidence is currently insufficient to determine the role of this variant in disease. Therefore, it has been classified as a Variant of Uncertain Significance.

Fulgent Genetics
Classification: Uncertain significance for Bardet-Biedl syndrome 12. Last evaluated: 2024-01-20. Review status: criteria provided, single submitter. Criteria: ACMG Guidelines, 2015. Collection method: clinical testing. Allele origin: germline.

Blueprint Genetics
Classification: Uncertain significance. Last evaluated: 2023-11-24. Review status: criteria provided, single submitter. Criteria: ACMG Guidelines, 2015. Collection method: clinical testing. Allele origin: germline.

Ambry Genetics
Classification: Uncertain significance for Inborn genetic diseases. Last evaluated: 2021-08-23. Review status: criteria provided, single submitter. Criteria: Ambry Variant Classification Scheme 2023. Collection method: clinical testing. Allele origin: germline.
Comment: The c.1A>C (p.M1?) alteration is located in coding exon 1 of the BBS12 gene and consists of a A to C substitution at nucleotide position 1. This changes the amino acid from a methionine to a (?) at the initiation codon. Sequence variations that modify the initiation codon (ATG) are expected to cause a shift in the mRNA reading frame and are typically deleterious in nature (Richards, 2015). Based on insufficient or conflicting evidence, the clinical significance of this alteration remains unclear.

Kariminejad - Najmabadi Pathology & Genetics Center
Classification: Likely pathogenic for Bardet-Biedl syndrome 12. Review status: criteria provided, single submitter. Criteria: ACMG Guidelines, 2015. Collection method: clinical testing. Allele origin: germline. Affected: no.

Natera, Inc.
Classification: Uncertain significance for Bardet-Biedl syndrome type 12. Last evaluated: 2020-01-22. Review status: no assertion criteria provided. Collection method: clinical testing. Allele origin: germline. Not counted in ClinVar's aggregate classification.

Counsyl
Classification: Likely pathogenic for Bardet-Biedl syndrome 12. Last evaluated: 2017-05-08. Review status: no assertion criteria provided. Collection method: clinical testing. Allele origin: unknown. Not counted in ClinVar's aggregate classification.

Department of Pathology and Laboratory Medicine, Sinai Health System
Classification: Uncertain significance. Review status: no assertion criteria provided. Collection method: clinical testing. Allele origin: unknown. Affected: yes. Study: The Canadian Open Genetics Repository (COGR). Not counted in ClinVar's aggregate classification.
Comment: The BBS12 p.M1? variant was not identified in the literature but was identified in dbSNP (ID: rs750366365) and ClinVar (classified as uncertain significance by Invitae and as likely pathogenic by Counsyl). The variant was identified in control databases in 31 of 282602 chromosomes at a frequency of 0.0001097 (Genome Aggregation Database March 6, 2019, v2.1.1). The p.M1? variant results in the loss of the initiation codon however the next in-frame initiation codon occurs two codons downstream, therefore it is unclear how this may impact the protein. The variant occurs outside of the splicing consensus sequence and in silico or computational prediction software programs (Splice AI exome) do not predict a difference in splicing. In summary, based on the above information the clinical significance of this variant cannot be determined with certainty at this time. This variant is classified as a variant of uncertain significance.

Literature cited by the submitters: PubMed 25133751 (cited by Counsyl).

NM_152618.3(BBS12):c.1A>C (p.Met1Leu)

Gene: BBS12 (Bardet-Biedl syndrome 12; plus strand). Cytogenetic location: 4q27.
Variant type: single nucleotide variant.
Coding change: c.1A>C on transcript NM_152618.3 (MANE Select); coding-DNA position 1, A replaced by C.
Protein change: p.Met1Leu; changes the start codon (methionine 1).
Molecular consequence: missense variant, initiator codon variant.
Genome position (GRCh38, 1-based): chr4:122,741,893, A>C. VCF-style: chr4-122741893-A-C. GRCh37 (hg19) VCF-style: chr4-123663048-A-C.
Other names: c.1A>C, p.Met1Leu (NM_001178007.2); short protein forms M1L.
Identifiers: ClinVar variation 551815 (VCV000551815.19), dbSNP rs750366365, ClinGen allele CA3069214.